The following is an entry in ClinVar:

ClinVar aggregate classification (germline): Uncertain significance (1 of 4 stars; one submission).

Conditions:
Encephalopathy, acute, infection-induced (herpes-specific), susceptibility to, 1. Also called: Herpes simplex encephalitis, susceptibility to, 1. Identifiers: Orphanet 1930, MedGen C2750180, MONDO:0024563, OMIM 610551.

Submission:

Labcorp Genetics (formerly Invitae), Labcorp
Classification: Uncertain significance for Encephalopathy, acute, infection-induced (herpes-specific), susceptibility to, 1. Last evaluated: 2023-10-14. Review status: criteria provided, single submitter. Criteria: Invitae Variant Classification Sherloc (09022015). Collection method: clinical testing. Allele origin: germline.
Comment: This sequence change replaces leucine, which is neutral and non-polar, with arginine, which is basic and polar, at codon 354 of the TLR3 protein (p.Leu354Arg). This variant is not present in population databases (gnomAD no frequency). This variant has not been reported in the literature in individuals affected with TLR3-related conditions. An algorithm developed to predict the effect of missense changes on protein structure and function (PolyPhen-2) suggests that this variant is likely to be disruptive. In summary, the available evidence is currently insufficient to determine the role of this variant in disease. Therefore, it has been classified as a Variant of Uncertain Significance.

NM_003265.3(TLR3):c.1061T>G (p.Leu354Arg)

Gene: TLR3 (toll like receptor 3; plus strand). Cytogenetic location: 4q35.1.
Variant type: single nucleotide variant.
Coding change: c.1061T>G on transcript NM_003265.3 (MANE Select); coding-DNA position 1061, T replaced by G.
Protein change: p.Leu354Arg; replaces leucine 354 with arginine.
Molecular consequence: missense variant.
Genome position (GRCh38, 1-based): chr4:186,082,747, T>G. VCF-style: chr4-186082747-T-G. GRCh37 (hg19) VCF-style: chr4-187003901-T-G.
Other names: short protein forms L354R.
Identifiers: ClinVar variation 2768515 (VCV002768515.3), dbSNP rs2099303755, ClinGen allele CA358930768.